The following is an entry in ClinVar:

NC_000003.11:g.(?_196215458)_(196215574_?)del

Gene: RNF168 (ring finger protein 168; minus strand). Cytogenetic location: 3q29.
Variant type: Deletion.
Identifiers: ClinVar variation 2427398 (VCV002427398.4).

ClinVar aggregate classification (germline): Pathogenic (1 of 4 stars; one submission).

Submission:

Labcorp Genetics (formerly Invitae), Labcorp
Classification: Pathogenic. Last evaluated: 2022-08-09. Review status: criteria provided, single submitter. Criteria: Invitae Variant Classification Sherloc (09022015). Collection method: clinical testing. Allele origin: germline.
Comment: This variant is a gross deletion of the genomic region encompassing exon(s) 2 of the RNF168 gene. This deletion is out-of-frame, and is expected to create a premature termination codon and result in an absent or disrupted protein product. Loss-of-function variants in RNF168 are known to be pathogenic (PMID: 19203578, 21394101). For these reasons, this variant has been classified as Pathogenic. This variant has not been reported in the literature in individuals affected with RNF168-related conditions.

Literature cited by the submitters: PubMed 19203578; PubMed 21394101.